The following is an entry in ClinVar:

NC_000017.10:g.(?_78177655)_(78183100_?)del

Genes: SGSH (N-sulfoglucosamine sulfohydrolase; minus strand), CARD14 (caspase recruitment domain family member 14; plus strand). Cytogenetic location: 17q25.3.
Variant type: Deletion.
Identifiers: ClinVar variation 2426804 (VCV002426804.5).

ClinVar aggregate classification (germline): Uncertain significance (1 of 4 stars; one submission).

Conditions:
Pityriasis rubra pilaris (PRP). Also called: Pityriasis rubra pilaris--familial type. Identifiers: Orphanet 2897, MedGen C0032027, MONDO:0100017, OMIM 173200, MONDO:0008251.
Psoriasis 2. Identifiers: MedGen C1864497, MONDO:0011269, OMIM 602723.

Submission:

Labcorp Genetics (formerly Invitae), Labcorp
Classification: Uncertain significance for Pityriasis rubra pilaris; Psoriasis 2. Last evaluated: 2022-05-12. Review status: criteria provided, single submitter. Criteria: Invitae Variant Classification Sherloc (09022015). Collection method: clinical testing. Allele origin: germline.
Comment: This variant results in the deletion of exons 17-21 and part of exon 16 (c.2256_*958del) of the CARD14 gene. While this deletion is not anticipated to lead to nonsense mediated decay, it is expected to alter mRNA translation or result in a truncated protein product. This variant has not been reported in the literature in individuals affected with CARD14-related conditions. In summary, the available evidence is currently insufficient to determine the role of this variant in disease. Therefore, it has been classified as a Variant of Uncertain Significance.